The following is an entry in ClinVar:

NM_004589.4(SCO1):c.41C>T (p.Pro14Leu)

Genes: SCO1 (synthesis of cytochrome C oxidase 1; minus strand), LOC112529895 (Sharpr-MPRA regulatory region 5903; plus strand). Cytogenetic location: 17p13.1.
Variant type: single nucleotide variant.
Coding change: c.41C>T on transcript NM_004589.4 (MANE Select); coding-DNA position 41, C replaced by T.
Protein change: p.Pro14Leu; replaces proline 14 with leucine.
Molecular consequence: missense variant.
Genome position (GRCh38, 1-based): chr17:10,697,467, G>A on the plus strand (C>T on the coding strand, the complement: SCO1 is on the minus strand). VCF-style: chr17-10697467-G-A. GRCh37 (hg19) VCF-style: chr17-10600784-G-A.
Other names: c.41C>T (NM_004589.3); short protein forms P14L.
Identifiers: ClinVar variation 215120 (VCV000215120.13), dbSNP rs141606021, ClinGen allele CA322816.

ClinVar aggregate classification (germline): Uncertain significance. Review status: criteria provided, multiple submitters, no conflicts (2 of 4 stars). 4 submissions from 4 submitters: Uncertain significance (3). 1 of the submissions does not count toward it. Last evaluated 2024-10-28.

Conditions:
Mitochondrial complex IV deficiency, nuclear type 4. Also called: Mitochondrial complex 4 deficiency, nuclear type 4. Identifiers: MedGen C5436683, MONDO:0033636, OMIM 619048.
SCO1-related disorder. Also called: SCO1-related disorders; SCO1-related condition.

Allele frequency attached by ClinVar (database versions not stated): gnomAD exomes 0.00006 and 0.00010; ExAC 0.00019; gnomAD 0.00044 and 0.00048; ESP Exome Variant Server 0.00046; TOPMed 0.00046; 1000 Genomes Project 30x 0.00078; 1000 Genomes Project 0.00080.
gnomAD v4.1: 152 of 1,613,456 alleles (0.0094%); highest among the groups gnomAD compares: African/African-American, 0.19%; no homozygotes.

Submissions (4):

Labcorp Genetics (formerly Invitae), Labcorp
Classification: Uncertain significance. Last evaluated: 2024-10-28. Review status: criteria provided, single submitter. Criteria: Invitae Variant Classification Sherloc (09022015). Collection method: clinical testing. Allele origin: germline.
Comment: This sequence change replaces proline, which is neutral and non-polar, with leucine, which is neutral and non-polar, at codon 14 of the SCO1 protein (p.Pro14Leu). This variant is present in population databases (rs141606021, gnomAD 0.2%). This variant has not been reported in the literature in individuals affected with SCO1-related conditions. ClinVar contains an entry for this variant (Variation ID: 215120). An algorithm developed to predict the effect of missense changes on protein structure and function outputs the following: PolyPhen-2: "Benign". The leucine amino acid residue is found in multiple mammalian species, which suggests that this missense change does not adversely affect protein function. In summary, the available evidence is currently insufficient to determine the role of this variant in disease. Therefore, it has been classified as a Variant of Uncertain Significance.

GeneDx
Classification: Uncertain significance. Last evaluated: 2024-06-27. Review status: criteria provided, single submitter. Criteria: GeneDx Variant Classification Process June 2021. Collection method: clinical testing. Allele origin: germline. Affected: yes.
Comment: In silico analysis indicates that this missense variant does not alter protein structure/function; Has not been previously published as pathogenic or benign to our knowledge

Fulgent Genetics
Classification: Uncertain significance for Mitochondrial complex IV deficiency, nuclear type 4. Last evaluated: 2024-03-08. Review status: criteria provided, single submitter. Criteria: ACMG Guidelines, 2015. Collection method: clinical testing. Allele origin: germline.

PreventionGenetics, part of Exact Sciences
Classification: Likely benign for SCO1-related condition. Last evaluated: 2022-02-28. Review status: no assertion criteria provided. Collection method: clinical testing. Allele origin: germline. Not counted in ClinVar's aggregate classification.
Comment: This variant is classified as likely benign based on ACMG/AMP sequence variant interpretation guidelines (Richards et al. 2015 PMID: 25741868, with internal and published modifications).